The following is an entry in ClinVar:

NM_001330588.2(TPP2):c.3762G>A (p.Met1254Ile)

Gene: TPP2 (tripeptidyl peptidase 2; plus strand). Cytogenetic location: 13q33.1.
Variant type: single nucleotide variant.
Coding change: c.3762G>A on transcript NM_001330588.2 (MANE Select); coding-DNA position 3762, G replaced by A.
Protein change: p.Met1254Ile; replaces methionine 1254 with isoleucine.
Molecular consequence: missense variant. On other transcripts: non-coding transcript variant (1).
Genome position (GRCh38, 1-based): chr13:102,678,289, G>A. VCF-style: chr13-102678289-G-A. GRCh37 (hg19) VCF-style: chr13-103330639-G-A.
Other names: c.3849G>A, p.Met1283Ile (NM_001367947.1); c.3723G>A, p.Met1241Ile (NM_003291.4); short protein forms M1254I, M1283I, M1241I.
Identifiers: ClinVar variation 1968433 (VCV001968433.5), dbSNP rs2504150283, ClinGen allele CA388472897.
Genomic context (GRCh38, chr13:102,678,289, plus strand): 5'-GATGAAGTTACTTGGATGGACCCATTGTGCATCTTTTACTGAAAACTGGCTCCCCATCAT[G>A]TATCCTCCCGATTATTGCGTATTCTAAAATAGGAAACAAGACTTTAAATTTTAAAAAAGG-3'
Protein context (NP_001317517.1, residues 1244-1262): ASFTENWLPI[Met1254Ile]YPPDYCVF

ClinVar aggregate classification (germline): Uncertain significance (1 of 4 stars; one submission).

Conditions:
Evans syndrome, immunodeficiency, and premature immunosenescence associated with tripeptidyl-peptidase II deficiency. Identifiers: MedGen CN231723. Disease mechanism: loss of function.

Submission:

Labcorp Genetics (formerly Invitae), Labcorp
Classification: Uncertain significance for Evans syndrome, immunodeficiency, and premature immunosenescence associated with tripeptidyl-peptidase II deficiency. Last evaluated: 2024-02-24. Review status: criteria provided, single submitter. Criteria: Invitae Variant Classification Sherloc (09022015). Collection method: clinical testing. Allele origin: germline.
Comment: This sequence change replaces methionine, which is neutral and non-polar, with isoleucine, which is neutral and non-polar, at codon 1241 of the TPP2 protein (p.Met1241Ile). This variant is not present in population databases (gnomAD no frequency). This variant has not been reported in the literature in individuals affected with TPP2-related conditions. ClinVar contains an entry for this variant (Variation ID: 1968433). An algorithm developed to predict the effect of missense changes on protein structure and function (PolyPhen-2) suggests that this variant is likely to be tolerated. In summary, the available evidence is currently insufficient to determine the role of this variant in disease. Therefore, it has been classified as a Variant of Uncertain Significance.